The following is an entry in ClinVar:

ClinVar aggregate classification (germline): Likely benign. Review status: criteria provided, multiple submitters, no conflicts (2 of 4 stars). 3 submissions from 3 submitters: Likely benign (3). Last evaluated 2026-07-09.

Conditions:
Cardiovascular phenotype. Identifiers: MedGen CN230736.
Autosomal recessive limb-girdle muscular dystrophy type 2J (LGMDR10). Also called: Limb-girdle muscular dystrophy, type 2J; MUSCULAR DYSTROPHY, LIMB-GIRDLE, AUTOSOMAL RECESSIVE 10. Identifiers: Orphanet 140922, MedGen C1837342, MONDO:0012127, OMIM 608807.
Dilated cardiomyopathy 1G (CMD1G). Identifiers: Orphanet 154, MedGen C1858763, MONDO:0011400, OMIM 604145.

Allele frequency attached by ClinVar (database versions not stated): ESP Exome Variant Server 0.00008; gnomAD exomes below 0.00001 and 0.00001; ExAC 0.00001.

Submissions (3):

Ambry Genetics
Classification: Likely benign for Cardiovascular phenotype. Last evaluated: 2026-07-09. Review status: criteria provided, single submitter. Criteria: Ambry Variant Classification Scheme 2023. Collection method: clinical testing. Allele origin: germline.

GeneDx
Classification: Likely benign. Last evaluated: 2017-12-12. Review status: criteria provided, single submitter. Criteria: GeneDx Variant Classification (06012015). Collection method: clinical testing. Allele origin: germline. Affected: yes.
Comment: This variant is considered likely benign or benign based on one or more of the following criteria: it is a conservative change, it occurs at a poorly conserved position in the protein, it is predicted to be benign by multiple in silico algorithms, and/or has population frequency not consistent with disease.

Labcorp Genetics (formerly Invitae), Labcorp
Classification: Likely benign for Dilated cardiomyopathy 1G; Autosomal recessive limb-girdle muscular dystrophy type 2J. Last evaluated: 2017-03-12. Review status: criteria provided, single submitter. Criteria: Invitae Variant Classification Sherloc (09022015). Collection method: clinical testing. Allele origin: germline.

NM_001267550.2(TTN):c.57015A>G (p.Ala19005=)

Genes: TTN (titin; minus strand), TTN-AS1 (TTN antisense RNA 1; plus strand). Cytogenetic location: 2q31.2.
Variant type: single nucleotide variant.
Coding change: c.57015A>G on transcript NM_001267550.2 (MANE Select); coding-DNA position 57015, A replaced by G.
Protein change: p.Ala19005=; no amino-acid change (alanine 19005 retained).
Molecular consequence: synonymous variant. On other transcripts: non-coding transcript variant (1).
Genome position (GRCh38, 1-based): chr2:178,598,602, T>C on the plus strand (A>G on the coding strand, the complement: TTN is on the minus strand). VCF-style: chr2-178598602-T-C. GRCh37 (hg19) VCF-style: chr2-179463329-T-C.
Other names: c.52092A>G, p.Ala17364= (NM_001256850.1); c.29820A>G, p.Ala9940= (NM_003319.4); c.49311A>G, p.Ala16437= (NM_133378.4); c.30195A>G, p.Ala10065= (NM_133432.3); c.30396A>G, p.Ala10132= (NM_133437.4).
Identifiers: ClinVar variation 467296 (VCV000467296.10), dbSNP rs372661513, ClinGen allele CA1993127.